The following is an entry in ClinVar:

ClinVar aggregate classification (germline): Uncertain significance (1 of 4 stars; one submission).

Allele frequency attached by ClinVar (database versions not stated): gnomAD exomes below 0.00001; gnomAD 0.00002.
gnomAD v4.1: 9 of 1,613,810 alleles (0.00056%); highest among the groups gnomAD compares: African/African-American, 0.012%; no homozygotes.

Submission:

GeneDx
Classification: Uncertain significance. Last evaluated: 2022-07-05. Review status: criteria provided, single submitter. Criteria: GeneDx Variant Classification Process June 2021. Collection method: clinical testing. Allele origin: germline. Affected: yes.
Comment: Not observed at a significant frequency in large population cohorts (gnomAD); In silico analysis supports that this missense variant has a deleterious effect on protein structure/function; Has not been previously published as pathogenic or benign to our knowledge

NM_001291303.3(FAT4):c.9208C>T (p.Pro3070Ser)

Gene: FAT4 (FAT atypical cadherin 4; plus strand). Cytogenetic location: 4q28.1.
Variant type: single nucleotide variant.
Coding change: c.9208C>T on transcript NM_001291303.3 (MANE Select); coding-DNA position 9208, C replaced by T.
Protein change: p.Pro3070Ser; replaces proline 3070 with serine.
Molecular consequence: missense variant.
Genome position (GRCh38, 1-based): chr4:125,450,218, C>T. VCF-style: chr4-125450218-C-T. GRCh37 (hg19) VCF-style: chr4-126371373-C-T.
Other names: c.9208C>T, p.Pro3070Ser (NM_001291285.3); c.9202C>T, p.Pro3068Ser (NM_024582.6); short protein forms P3068S, P3070S.
Identifiers: ClinVar variation 1695524 (VCV001695524.2), dbSNP rs998399883, ClinGen allele CA104881692.